The following is an entry in ClinVar:

NM_000257.4(MYH7):c.554C>T (p.Thr185Ile)

Gene: MYH7 (myosin heavy chain 7; minus strand). Cytogenetic location: 14q11.2.
Variant type: single nucleotide variant.
Coding change: c.554C>T on transcript NM_000257.4 (MANE Select); coding-DNA position 554, C replaced by T.
Protein change: p.Thr185Ile; replaces threonine 185 with isoleucine.
Molecular consequence: missense variant.
Genome position (GRCh38, 1-based): chr14:23,431,846, G>A on the plus strand (C>T on the coding strand, the complement: MYH7 is on the minus strand). VCF-style: chr14-23431846-G-A. GRCh37 (hg19) VCF-style: chr14-23901055-G-A.
Other names: short protein forms T185I.
Identifiers: ClinVar variation 1172468 (VCV001172468.6), dbSNP rs2138682451, ClinGen allele CA389052557.

ClinVar aggregate classification (germline): Uncertain significance. Review status: criteria provided, multiple submitters, no conflicts (2 of 4 stars). 2 submissions from 2 submitters: Uncertain significance (2). Last evaluated 2025-03-07.

Conditions:
Hypertrophic cardiomyopathy. Also called: HYPERTROPHIC MYOCARDIOPATHY. Identifiers: Orphanet 217569, MedGen C0007194, MeSH D002312, MONDO:0005045, HP:0001639.
Cardiomyopathy (CMYO). Also called: Cardiomyopathies. Identifiers: Orphanet 167848, MedGen C0878544, MONDO:0004994, HP:0001638. Inheritance: Various modes of inheritance.

Submissions (2):

Labcorp Genetics (formerly Invitae), Labcorp
Classification: Uncertain significance for Hypertrophic cardiomyopathy. Last evaluated: 2025-03-07. Review status: criteria provided, single submitter. Criteria: Invitae Variant Classification Sherloc (09022015). Collection method: clinical testing. Allele origin: germline.
Comment: This sequence change replaces threonine, which is neutral and polar, with isoleucine, which is neutral and non-polar, at codon 185 of the MYH7 protein (p.Thr185Ile). This variant is not present in population databases (gnomAD no frequency). This variant has not been reported in the literature in individuals affected with MYH7-related conditions. ClinVar contains an entry for this variant (Variation ID: 1172468). Invitae Evidence Modeling of protein sequence and biophysical properties (such as structural, functional, and spatial information, amino acid conservation, physicochemical variation, residue mobility, and thermodynamic stability) indicates that this missense variant is expected to disrupt MYH7 protein function with a positive predictive value of 95%. In summary, the available evidence is currently insufficient to determine the role of this variant in disease. Therefore, it has been classified as a Variant of Uncertain Significance.

Color Diagnostics, LLC DBA Color Health
Classification: Uncertain significance for Cardiomyopathy. Last evaluated: 2024-03-06. Review status: criteria provided, single submitter. Criteria: ACMG Guidelines, 2015. Collection method: clinical testing. Allele origin: germline.
Comment: This missense variant replaces threonine with isoleucine at codon 185 of the MYH7 protein. Computational prediction suggests that this variant may have deleterious impact on protein structure and function (internally defined REVEL score threshold >= 0.7, PMID: 27666373). To our knowledge, functional studies have not been reported for this variant. This variant has not been reported in individuals affected with cardiovascular disorders in the literature. This variant has not been identified in the general population by the Genome Aggregation Database (gnomAD). The available evidence is insufficient to determine the role of this variant in disease conclusively. Therefore, this variant is classified as a Variant of Uncertain Significance.